The following is an entry in ClinVar:

ClinVar aggregate classification (germline): Uncertain significance (1 of 4 stars; one submission).

Conditions:
Wilson disease (WND). Also called: Wilson's disease. Identifiers: Orphanet 905, MedGen C0019202, MONDO:0010200, OMIM 277900. Disease mechanism: loss of function.

gnomAD v4.1: 1 of 1,614,112 alleles (0.000062%); highest among the groups gnomAD compares: East Asian, 0.0022%; no homozygotes.

Submission:

All of Us Research Program, National Institutes of Health
Classification: Uncertain significance for Wilson disease. Last evaluated: 2024-03-05. Review status: criteria provided, single submitter. Criteria: ACMG Guidelines, 2015. Collection method: clinical testing. Allele origin: germline. Inheritance: Autosomal recessive inheritance. Observed: 1 variant allele, 1 heterozygote.
Comment: This study involves interpretation of variants in research participants for the purpose of population health screening. Participant phenotype was not available at the time of variant classification. Additional details can be found in publication PMID: 35346344, PMCID: PMC8962531

NM_000053.4(ATP7B):c.2790C>G (p.Ile930Met)

Gene: ATP7B (ATPase copper transporting beta; minus strand). Cytogenetic location: 13q14.3.
Variant type: single nucleotide variant.
Coding change: c.2790C>G on transcript NM_000053.4 (MANE Select); coding-DNA position 2790, C replaced by G.
Protein change: p.Ile930Met; replaces isoleucine 930 with methionine.
Molecular consequence: missense variant. On other transcripts: intron variant (3).
Genome position (GRCh38, 1-based): chr13:51,949,737, G>C on the plus strand (C>G on the coding strand, the complement: ATP7B is on the minus strand). VCF-style: chr13-51949737-G-C. GRCh37 (hg19) VCF-style: chr13-52523873-G-C.
Other names: c.2790C>G, p.Ile930Met (NM_001406526.1, NM_001406511.1, NM_001406512.1 and 5 more transcripts); c.2556C>G, p.Ile852Met (NM_001406527.1, NM_001406528.1, NM_001406534.1 and 2 more transcripts); c.2550C>G, p.Ile850Met (NM_001406530.1); c.2538C>G, p.Ile846Met (NM_001406531.1, NM_001406532.1, NM_001330579.2 and 1 more transcripts); c.2460C>G, p.Ile820Met (NM_001406536.1); c.2646C>G, p.Ile882Met (NM_001406537.1, NM_001406520.1, NM_001406521.1 and 1 more transcripts); c.2457C>G, p.Ile819Met (NM_001243182.2); c.2757C>G, p.Ile919Met (NM_001406514.1); and 10 more; short protein forms I500M, I714M, I736M, I768M, I787M, I814M, I819M, I820M.
Identifiers: ClinVar variation 3387600 (VCV003387600.1).
Genomic context (GRCh38, chr13:51,949,737, plus strand): 5'-AACAACACCAAAATCGATAAAACCGATTACAATCCATACCACCAACGTCAAAGTTGACAT[G>C]ATGATGATAAATGGGACAAAATATCCACTAAACCGGTCAGCCAGCTGCTGAATGGGTGCC-3'
Protein context (NP_000044.2, residues 920-940): FSGYFVPFII[Ile930Met]MSTLTLVVWI